The following is an entry in ClinVar:

ClinVar aggregate classification (germline): Uncertain significance (1 of 4 stars; one submission).

gnomAD v4.1: 5 of 1,587,378 alleles (0.00031%); highest among the groups gnomAD compares: Non-Finnish European, 0.00043%; no homozygotes.

Submission:

Women's Health and Genetics/Laboratory Corporation of America, LabCorp
Classification: Uncertain significance. Last evaluated: 2025-02-17. Review status: criteria provided, single submitter. Criteria: LabCorp Variant Classification Summary - May 2015. Collection method: clinical testing. Allele origin: germline.
Comment: Variant summary: UNC13D c.2866C>T (p.Pro956Ser) results in a non-conservative amino acid change located in the Protein kinase C conserved region 2 (CalB) domain (IPR000008) of the encoded protein sequence. Five of five in-silico tools predict a damaging effect of the variant on protein function. The frequency data for this variant in gnomAD is considered unreliable, as metrics indicate poor data quality at this position. c.2866C>T has been reported in the literature in at least one compound heterozygous individual affected with Familial Hemophagocytic Lymphohistiocytosis (e.g. Yadav_2020). These data do not allow any conclusion about variant significance. To our knowledge, no experimental evidence demonstrating an impact on protein function has been reported. The following publication has been ascertained in the context of this evaluation (PMID: 33365035). No submitters have cited clinical-significance assessments for this variant to ClinVar. Based on the evidence outlined above, the variant was classified as uncertain significance.

Literature cited by the submitters: PubMed 33365035.

NM_199242.3(UNC13D):c.2866C>T (p.Pro956Ser)

Genes: UNC13D (unc-13 homolog D; minus strand), LOC112533672 (Sharpr-MPRA regulatory region 1193; plus strand). Cytogenetic location: 17q25.1.
Variant type: single nucleotide variant.
Coding change: c.2866C>T on transcript NM_199242.3 (MANE Select); coding-DNA position 2866, C replaced by T.
Protein change: p.Pro956Ser; replaces proline 956 with serine.
Molecular consequence: missense variant.
Genome position (GRCh38, 1-based): chr17:75,830,116, G>A on the plus strand (C>T on the coding strand, the complement: UNC13D is on the minus strand). VCF-style: chr17-75830116-G-A. GRCh37 (hg19) VCF-style: chr17-73826197-G-A.
Other names: short protein forms P956S.
Identifiers: ClinVar variation 3769027 (VCV003769027.1).